The following is an entry in ClinVar:

NM_004667.6(HERC2):c.6413A>G (p.His2138Arg)

Gene: HERC2 (HECT and RLD domain containing E3 ubiquitin protein ligase 2; minus strand). Cytogenetic location: 15q13.1.
Variant type: single nucleotide variant.
Coding change: c.6413A>G on transcript NM_004667.6 (MANE Select); coding-DNA position 6413, A replaced by G.
Protein change: p.His2138Arg; replaces histidine 2138 with arginine.
Molecular consequence: missense variant.
Genome position (GRCh38, 1-based): chr15:28,214,218, T>C on the plus strand (A>G on the coding strand, the complement: HERC2 is on the minus strand). VCF-style: chr15-28214218-T-C. GRCh37 (hg19) VCF-style: chr15-28459364-T-C.
Other names: short protein forms H2138R.
Identifiers: ClinVar variation 5008918 (VCV005008918.1).

ClinVar aggregate classification (germline): Uncertain significance (1 of 4 stars; one submission).

Submission:

GeneDx
Classification: Uncertain significance. Last evaluated: 2026-03-18. Review status: criteria provided, single submitter. Criteria: GeneDx Variant Classification Process June 2021. Collection method: clinical testing. Allele origin: germline.
Comment: Not observed at significant frequency in large population cohorts (gnomAD); In silico analysis supports that this missense variant has a deleterious effect on protein structure/function; Has not been previously published as pathogenic or benign to our knowledge